The following is an entry in ClinVar:

ClinVar aggregate classification (germline): Uncertain significance (1 of 4 stars; one submission).

Conditions:
Developmental and epileptic encephalopathy, 42 (DEE42A). Also called: DEVELOPMENTAL AND EPILEPTIC ENCEPHALOPATHY 42A; EPILEPTIC ENCEPHALOPATHY, EARLY INFANTILE, 42A; Epileptic encephalopathy, early infantile, 42. Identifiers: MedGen C4310716, MONDO:0014917, OMIM 617106.

gnomAD v4.1: 11 of 1,588,344 alleles (0.00069%); highest among the groups gnomAD compares: Non-Finnish European, 0.00085%; no homozygotes.

Submission:

Baylor Genetics
Classification: Uncertain significance for Developmental and epileptic encephalopathy, 42. Last evaluated: 2018-03-25. Review status: criteria provided, single submitter. Criteria: ACMG Guidelines, 2015. Collection method: clinical testing. Allele origin: maternal. Affected: yes.
Comment: This variant was determined to be of uncertain significance according to ACMG Guidelines, 2015 [PMID:25741868].

NM_001127222.2(CACNA1A):c.2674A>G (p.Ser892Gly)

Gene: CACNA1A (calcium voltage-gated channel subunit alpha1 A; minus strand). Cytogenetic location: 19p13.13.
Variant type: single nucleotide variant.
Coding change: c.2674A>G on transcript NM_001127222.2 (MANE Select); coding-DNA position 2674, A replaced by G.
Protein change: p.Ser892Gly; replaces serine 892 with glycine.
Molecular consequence: missense variant.
Genome position (GRCh38, 1-based): chr19:13,298,959, T>C on the plus strand (A>G on the coding strand, the complement: CACNA1A is on the minus strand). VCF-style: chr19-13298959-T-C. GRCh37 (hg19) VCF-style: chr19-13409773-T-C.
Other names: c.2686A>G, p.Ser896Gly (NM_000068.4, NM_023035.3); c.2677A>G, p.Ser893Gly (NM_001127221.2, NM_001174080.2); short protein forms S892G, S893G, S896G.
Identifiers: ClinVar variation 1033713 (VCV001033713.1), dbSNP rs2057731579, ClinGen allele CA404342949.